The following is an entry in ClinVar:

NM_000287.4(PEX6):c.1264C>T (p.Leu422Phe)

Gene: PEX6 (peroxisomal biogenesis factor 6; minus strand). Cytogenetic location: 6p21.1.
Variant type: single nucleotide variant.
Coding change: c.1264C>T on transcript NM_000287.4 (MANE Select); coding-DNA position 1264, C replaced by T.
Protein change: p.Leu422Phe; replaces leucine 422 with phenylalanine.
Molecular consequence: missense variant. On other transcripts: non-coding transcript variant (1).
Genome position (GRCh38, 1-based): chr6:42,969,771, G>A on the plus strand (C>T on the coding strand, the complement: PEX6 is on the minus strand). VCF-style: chr6-42969771-G-A. GRCh37 (hg19) VCF-style: chr6-42937509-G-A.
Other names: c.1000C>T, p.Leu334Phe (NM_001316313.2); short protein forms L334F, L422F.
Identifiers: ClinVar variation 2164449 (VCV002164449.2), dbSNP rs1322472535, ClinGen allele CA364155860.

ClinVar aggregate classification (germline): Uncertain significance (1 of 4 stars; one submission).

Conditions:
Peroxisome biogenesis disorder. Identifiers: Orphanet 79189, MedGen C1832200, MONDO:0019234. Disease mechanism: loss of function.

Submission:

Labcorp Genetics (formerly Invitae), Labcorp
Classification: Uncertain significance for Peroxisome biogenesis disorder. Last evaluated: 2022-03-25. Review status: criteria provided, single submitter. Criteria: Invitae Variant Classification Sherloc (09022015). Collection method: clinical testing. Allele origin: germline.
Comment: In summary, the available evidence is currently insufficient to determine the role of this variant in disease. Therefore, it has been classified as a Variant of Uncertain Significance. Algorithms developed to predict the effect of sequence changes on RNA splicing suggest that this variant may create or strengthen a splice site. Algorithms developed to predict the effect of missense changes on protein structure and function (SIFT, PolyPhen-2, Align-GVGD) all suggest that this variant is likely to be tolerated. This variant has not been reported in the literature in individuals affected with PEX6-related conditions. This variant is present in population databases (no rsID available, gnomAD 0.003%). This sequence change replaces leucine, which is neutral and non-polar, with phenylalanine, which is neutral and non-polar, at codon 422 of the PEX6 protein (p.Leu422Phe).